The following is an entry in ClinVar:

ClinVar aggregate classification (germline): Uncertain significance (1 of 4 stars; one submission).

Allele frequency attached by ClinVar (database versions not stated): gnomAD 0.00001; gnomAD exomes 0.00001; TOPMed 0.00001.

Submission:

Labcorp Genetics (formerly Invitae), Labcorp
Classification: Uncertain significance. Last evaluated: 2022-04-06. Review status: criteria provided, single submitter. Criteria: Invitae Variant Classification Sherloc (09022015). Collection method: clinical testing. Allele origin: germline.
Comment: This sequence change replaces leucine, which is neutral and non-polar, with phenylalanine, which is neutral and non-polar, at codon 1654 of the CDH23 protein (p.Leu1654Phe). This variant is not present in population databases (gnomAD no frequency). This variant has not been reported in the literature in individuals affected with CDH23-related conditions. Algorithms developed to predict the effect of missense changes on protein structure and function are either unavailable or do not agree on the potential impact of this missense change (SIFT: "Deleterious"; PolyPhen-2: "Not Available"; Align-GVGD: "Class C15"). In summary, the available evidence is currently insufficient to determine the role of this variant in disease. Therefore, it has been classified as a Variant of Uncertain Significance.

NM_022124.6(CDH23):c.4960C>T (p.Leu1654Phe)

Gene: CDH23 (cadherin related 23; plus strand). Cytogenetic location: 10q22.1.
Variant type: single nucleotide variant.
Coding change: c.4960C>T on transcript NM_022124.6 (MANE Select); coding-DNA position 4960, C replaced by T.
Protein change: p.Leu1654Phe; replaces leucine 1654 with phenylalanine.
Molecular consequence: missense variant.
Genome position (GRCh38, 1-based): chr10:71,777,794, C>T. VCF-style: chr10-71777794-C-T. GRCh37 (hg19) VCF-style: chr10-73537551-C-T.
Other names: short protein forms L1654F.
Identifiers: ClinVar variation 2151639 (VCV002151639.1), dbSNP rs753634681, ClinGen allele CA377140238.
Genomic context (GRCh38, chr10:71,777,794, plus strand): 5'-TTCCAGCAGCCCCACTATGAGGTGCTGCTGGATGAGGGCCCAGACACGCTCAACACCAGC[C>T]TCATCACCATCCAGGCACTGGACCTGGATGAGGGTCCCAACGGCACAGTCACCTATGCCA-3'
Protein context (NP_071407.4, residues 1644-1664): DEGPDTLNTS[Leu1654Phe]ITIQALDLDE